The following is an entry in ClinVar:

NM_001042492.3(NF1):c.4526G>A (p.Arg1509His)

Gene: NF1 (neurofibromin 1; plus strand). Cytogenetic location: 17q11.2.
Variant type: single nucleotide variant.
Coding change: c.4526G>A on transcript NM_001042492.3 (MANE Select); coding-DNA position 4526, G replaced by A.
Protein change: p.Arg1509His; replaces arginine 1509 with histidine.
Molecular consequence: missense variant.
Genome position (GRCh38, 1-based): chr17:31,260,464, G>A. VCF-style: chr17-31260464-G-A. GRCh37 (hg19) VCF-style: chr17-29587482-G-A.
Other names: c.4463G>A, p.Arg1488His (NM_000267.4); short protein forms R1488H, R1509H.
Identifiers: ClinVar variation 141323 (VCV000141323.31), dbSNP rs546073780, ClinGen allele CA165109.

ClinVar aggregate classification (germline): Conflicting classifications of pathogenicity. Review status: criteria provided, conflicting classifications (1 of 4 stars). 14 submissions from 13 submitters: Uncertain significance (7); Likely benign (7). Last evaluated 2026-02-12.

Conditions:
Cardiovascular phenotype. Identifiers: MedGen CN230736.
Hereditary cancer-predisposing syndrome. Also called: Tumor predisposition; Neoplastic Syndromes, Hereditary; Hereditary neoplastic syndrome; Hereditary Cancer Syndrome. Identifiers: Orphanet 140162, MedGen C0027672, MeSH D009386, MONDO:0015356.
NF1-related disorder. Also called: NF1-related condition. Identifiers: MedGen CN379171.
Neurofibromatosis, type 1 (NF1). Also called: NEUROFIBROMATOSIS, TYPE I, SOMATIC; VON RECKLINGHAUSEN DISEASE; Peripheral type neurofibromatosis; Neurofibromatosis, type I. Identifiers: Orphanet 636, MedGen C0027831, MONDO:0018975, OMIM 162200. Disease mechanism: loss of function.
Neurofibromatosis-Noonan syndrome (NFNS). Also called: NEUROFIBROMATOSIS WITH NOONAN PHENOTYPE. Identifiers: Orphanet 638, MedGen C2931482, MONDO:0011035, OMIM 601321. Disease mechanism: loss of function.
Café-au-lait macules with pulmonary stenosis (WTSN). Also called: PULMONIC STENOSIS WITH CAFE-AU-LAIT SPOTS. Identifiers: MedGen C0553586, MONDO:0008672, OMIM 193520.
Neurofibromatosis, familial spinal (FSNF). Identifiers: Orphanet 636, MedGen C1834235, MONDO:0008078, OMIM 162210. Disease mechanism: loss of function.
Juvenile myelomonocytic leukemia (JMML). Also called: LEUKEMIA, JUVENILE MYELOMONOCYTIC, SOMATIC. Identifiers: Orphanet 86834, MedGen C0349639, MONDO:0011908, OMIM 607785, HP:0012209.

Allele frequency attached by ClinVar (database versions not stated): TOPMed 0.00003; gnomAD 0.00005 and 0.00006; gnomAD exomes 0.00011; ExAC 0.00012.
gnomAD v4.1: 121 of 1,613,740 alleles (0.0075%); highest among the groups gnomAD compares: Non-Finnish European, 0.0081%; no homozygotes.

Submissions (14):

PreventionGenetics, part of Exact Sciences
Classification: Likely benign for NF1-related condition. Last evaluated: 2026-02-12. Review status: criteria provided, single submitter. Criteria: ACMG Guidelines, 2015. Collection method: clinical testing. Allele origin: germline.
Comment: This variant is classified as likely benign based on ACMG/AMP sequence variant interpretation guidelines (Richards et al. 2015 PMID: 25741868, with internal and published modifications).

Dasa
Classification: Uncertain significance. Last evaluated: 2026-01-20. Review status: criteria provided, single submitter. Criteria: DASA Assertion Criteria. Collection method: clinical testing. Allele origin: germline.
Comment: NM_001042492.3(NF1):c.4526G>A (p.Arg1509His) is a missense variant that results in the substitution of arginine with histidine. This classification is supported by population frequency inconsistent with a disease-causing role. Computational prediction algorithms are consistent with a deleterious effect. The currently available literature and clinical evidence are not sufficient to establish a definitive association between this variant and the reported condition. Therefore, this variant is classified as a variant of uncertain significance.

Labcorp Genetics (formerly Invitae), Labcorp
Classification: Likely benign for Neurofibromatosis, type 1. Last evaluated: 2026-01-14. Review status: criteria provided, single submitter. Criteria: Invitae Variant Classification Sherloc (09022015). Collection method: clinical testing. Allele origin: germline.

Quest Diagnostics Nichols Institute San Juan Capistrano
Classification: Uncertain significance. Last evaluated: 2025-03-10. Review status: criteria provided, single submitter. Criteria: Quest Diagnostics criteria. Collection method: clinical testing. Allele origin: unknown.

Department of Pathology and Laboratory Medicine, Sinai Health System
Classification: Uncertain significance for Neurofibromatosis, type 1; Neurofibromatosis, familial spinal; Café-au-lait macules with pulmonary stenosis; Neurofibromatosis-Noonan syndrome; Juvenile myelomonocytic leukemia. Last evaluated: 2024-11-20. Review status: criteria provided, single submitter. Criteria: ACMG Guidelines, 2015. Collection method: clinical testing. Allele origin: germline.

Blueprint Genetics
Classification: Likely benign. Last evaluated: 2023-05-08. Review status: criteria provided, single submitter. Criteria: ACMG Guidelines, 2015. Collection method: clinical testing. Allele origin: germline.

Institute for Biomarker Research, Medical Diagnostic Laboratories, L.L.C.
Classification: Uncertain significance for Hereditary cancer-predisposing syndrome. Last evaluated: 2022-09-12. Review status: criteria provided, single submitter. Criteria: ACMG Guidelines, 2015. Collection method: clinical testing. Allele origin: germline.

Medical Genetics, University of Parma
Classification: Likely benign for Neurofibromatosis, type 1. Last evaluated: 2022-08-17. Review status: criteria provided, single submitter. Criteria: ACMG Guidelines, 2015. Collection method: clinical testing. Allele origin: germline. Inheritance: Autosomal dominant inheritance. Affected: yes.

GeneDx
Classification: Uncertain significance. Last evaluated: 2022-02-04. Review status: criteria provided, single submitter. Criteria: GeneDx Variant Classification Process June 2021. Collection method: clinical testing. Allele origin: germline. Affected: yes.
Comment: In silico analysis supports that this missense variant has a deleterious effect on protein structure/function; Observed in an individual with cafe-au-lait macules in published literature who had a different genetic etiology for the phenotype (Koczkowska 2018); This variant is associated with the following publications: (PMID: 22675565, 26919320, 29290338, 30613976, 22807134)

Sema4
Classification: Likely benign for Hereditary cancer-predisposing syndrome. Last evaluated: 2021-07-29. Review status: criteria provided, single submitter. Criteria: Sema4 Curation Guidelines. Collection method: curation. Allele origin: germline.

Genetic Services Laboratory, University of Chicago
Classification: Uncertain significance. Last evaluated: 2021-01-07. Review status: criteria provided, single submitter. Criteria: ACMG Guidelines, 2015. Collection method: clinical testing. Allele origin: germline. Affected: no.
Comment: This sequence change does not appear to have been previously described in patients with NF1-related disorders and has been described in the gnomAD database with a low population frequency of 0.015% in the non-Finnish subpopulation (dbSNP rs546073780). The p.Arg1488His change affects a highly conserved amino acid residue located in a domain of the NF1 protein that is known to be functional. In-silico pathogenicity prediction tools (SIFT, PolyPhen2, Align GVGD, REVEL) provide contradictory results for the p.Arg1488His substitution. Due to these contrasting evidences and the lack of functional studies, the clinical significance of the p.Arg1488His change remains unknown at this time.

Ambry Genetics
Classification: Likely benign for Cardiovascular phenotype; Hereditary cancer-predisposing syndrome. Last evaluated: 2020-01-28. Review status: criteria provided, single submitter. Criteria: Ambry Variant Classification Scheme 2023. Collection method: clinical testing. Allele origin: germline.

Athena Diagnostics
Classification: Uncertain significance. Last evaluated: 2017-10-09. Review status: criteria provided, single submitter. Criteria: Athena Diagnostics Criteria. Collection method: clinical testing. Allele origin: germline.

Ambry Genetics
Classification: Likely benign for Hereditary cancer-predisposing syndrome. Last evaluated: 2016-02-05. Review status: criteria provided, single submitter. Criteria: Ambry Autosomal Dominant and X-Linked criteria (10/2015). Collection method: clinical testing. Allele origin: germline. Observed: 1 variant allele.
Comment: in silico models in agreement (deleterious) and/or completely conserved position in appropriate species;Insufficient or Conflicting Evidence